The following is an entry in ClinVar:

ClinVar aggregate classification (germline): Likely benign. Review status: criteria provided, multiple submitters, no conflicts (2 of 4 stars). 3 submissions from 3 submitters: Likely benign (3). Last evaluated 2026-01-21.

Conditions:
Pyruvate carboxylase deficiency. Also called: Pyruvate Carboxylase Deficiency Disease; ATAXIA WITH LACTIC ACIDOSIS II; LEIGH NECROTIZING ENCEPHALOPATHY DUE TO PYRUVATE CARBOXYLASE DEFICIENCY; LEIGH SYNDROME DUE TO PYRUVATE CARBOXYLASE DEFICIENCY; PC DEFICIENCY. Identifiers: Orphanet 3008, MedGen C0034341, MONDO:0009949, OMIM 266150.

Allele frequency attached by ClinVar (database versions not stated): gnomAD 0.00001; gnomAD exomes 0.00009 and 0.00018; TOPMed 0.00010; ExAC 0.00014.
gnomAD v4.1: 55 of 1,605,096 alleles (0.0034%); highest among the groups gnomAD compares: Admixed American, 0.092%; no homozygotes.

Submissions (3):

Labcorp Genetics (formerly Invitae), Labcorp
Classification: Likely benign for Pyruvate carboxylase deficiency. Last evaluated: 2026-01-21. Review status: criteria provided, single submitter. Criteria: Invitae Variant Classification Sherloc (09022015). Collection method: clinical testing. Allele origin: germline.

Blueprint Genetics
Classification: Likely benign. Last evaluated: 2024-02-19. Review status: criteria provided, single submitter. Criteria: ACMG Guidelines, 2015. Collection method: clinical testing. Allele origin: germline.

GeneDx
Classification: Likely benign. Last evaluated: 2016-06-24. Review status: criteria provided, single submitter. Criteria: GeneDx Variant Classification (06012015). Collection method: clinical testing. Allele origin: germline. Affected: yes.
Comment: This variant is considered likely benign or benign based on one or more of the following criteria: it is a conservative change, it occurs at a poorly conserved position in the protein, it is predicted to be benign by multiple in silico algorithms, and/or has population frequency not consistent with disease.

NM_001040716.2(PC):c.2224-18C>A

Gene: PC (pyruvate carboxylase; minus strand). Cytogenetic location: 11q13.2.
Variant type: single nucleotide variant.
Coding change: c.2224-18C>A on transcript NM_001040716.2 (MANE Select); 18 bases into the intron before coding-DNA position 2224, C replaced by A.
Molecular consequence: intron variant.
Genome position (GRCh38, 1-based): chr11:66,850,941, G>T on the plus strand (C>A on the coding strand, the complement: PC is on the minus strand). VCF-style: chr11-66850941-G-T. GRCh37 (hg19) VCF-style: chr11-66618412-G-T.
Other names: c.2224-18C>A (NM_000920.4, NM_022172.3).
Identifiers: ClinVar variation 378333 (VCV000378333.9), dbSNP rs768718604, ClinGen allele CA6131128.
Genomic context (GRCh38, chr11:66,850,941, plus strand): 5'-CCAGCATGGTGCAGGCCGTGGGCTTCAGCAGCCCGGCCATGTCCTGGGGGAAGTGGGAGA[G>T]AGAGAGAGAGAGATGGTAGAGAGGGCAGGATGTGTGCCTGTGGGTGGCGGGGACATGGCC-3'